The following is an entry in ClinVar:

Conditions:
Long QT syndrome 5 (LQT5). Identifiers: Orphanet 101016, Orphanet 768, MedGen C1867904, MONDO:0013372, OMIM 613695.

Submission:

Roden Lab, Vanderbilt University Medical Center
No classification provided (evidence only). Condition: Long QT syndrome 5. Review status: no classification provided. Collection method: in vitro. Allele origin: not applicable. Functional consequence: Effect on ion channel function.
ClinVar note: "not provided" was previously submitted as the classification for the variant. However, the classification appeared to be based only on an observation of functional data so it was converted to no classification on 2025-07-30.

NM_000219.6(KCNE1):c.284T>A (p.Val95Asp)

Gene: KCNE1 (potassium voltage-gated channel subfamily E regulatory subunit 1; minus strand). Cytogenetic location: 21q22.12.
Variant type: single nucleotide variant.
Coding change: c.284T>A on transcript NM_000219.6 (MANE Select); coding-DNA position 284, T replaced by A.
Protein change: p.Val95Asp; replaces valine 95 with aspartic acid.
Molecular consequence: missense variant.
Genome position (GRCh38, 1-based): chr21:34,449,351, A>T on the plus strand (T>A on the coding strand, the complement: KCNE1 is on the minus strand). VCF-style: chr21-34449351-A-T. GRCh37 (hg19) VCF-style: chr21-35821649-A-T.
Other names: c.284T>A, p.Val95Asp (NM_001127668.4, NM_001127669.4, NM_001127670.4 and 4 more transcripts); short protein forms V95D.
Identifiers: ClinVar variation 3374529 (VCV003374529.2).
Genomic context (GRCh38, chr21:34,449,351, plus strand): 5'-ATGGCCAGATGGTTTTCAACGACATAGCACGACCTGTAGCTCTCCAGGACCCGGGCCTGG[A>T]CATAGGCCTTGTCCTTCTCTTGCCAGGCATCGGACTCGATGTAGACGTTGAATGGGTCGT-3'
Protein context (NP_000210.2, residues 85-105): DAWQEKDKAY[Val95Asp]QARVLESYRS